The following is an entry in ClinVar:

ClinVar aggregate classification (germline): Uncertain significance (1 of 4 stars; one submission).

Conditions:
3-methylglutaconic aciduria, type VIIB (MGCA7B). Also called: 3-methylglutaconic aciduria with cataracts, neurologic involvement and neutropenia; CLPB Deficiency; 3-methylglutaconic aciduria, type VII, with cataracts, neurologic involvement and neutropenia. Identifiers: Orphanet 445038, MedGen C5676893, MONDO:0014561, OMIM 616271.

Allele frequency attached by ClinVar (database versions not stated): gnomAD exomes below 0.00001.
gnomAD v4.1: 2 of 1,614,060 alleles (0.00012%); highest among the groups gnomAD compares: South Asian, 0.0011%; no homozygotes.

Submission:

Labcorp Genetics (formerly Invitae), Labcorp
Classification: Uncertain significance for 3-methylglutaconic aciduria, type VIIB. Last evaluated: 2019-12-12. Review status: criteria provided, single submitter. Criteria: Invitae Variant Classification Sherloc (09022015). Collection method: clinical testing. Allele origin: germline.
Comment: In summary, the available evidence is currently insufficient to determine the role of this variant in disease. Therefore, it has been classified as a Variant of Uncertain Significance. Algorithms developed to predict the effect of missense changes on protein structure and function are either unavailable or do not agree on the potential impact of this missense change (SIFT: "Tolerated"; PolyPhen-2: "Probably Damaging"; Align-GVGD: "Class C0"). This variant has not been reported in the literature in individuals with CLPB-related conditions. This variant is not present in population databases (ExAC no frequency). This sequence change replaces isoleucine with valine at codon 548 of the CLPB protein (p.Ile548Val). The isoleucine residue is highly conserved and there is a small physicochemical difference between isoleucine and valine.

NM_001258392.3(CLPB):c.1552A>G (p.Ile518Val)

Gene: CLPB (ClpB family mitochondrial disaggregase; minus strand). Cytogenetic location: 11q13.4.
Variant type: single nucleotide variant.
Coding change: c.1552A>G on transcript NM_001258392.3 (MANE Select); coding-DNA position 1552, A replaced by G.
Protein change: p.Ile518Val; replaces isoleucine 518 with valine.
Molecular consequence: missense variant.
Genome position (GRCh38, 1-based): chr11:72,294,628, T>C on the plus strand (A>G on the coding strand, the complement: CLPB is on the minus strand). VCF-style: chr11-72294628-T-C. GRCh37 (hg19) VCF-style: chr11-72005672-T-C.
Other names: c.1465A>G, p.Ile489Val (NM_001258393.3); c.1507A>G, p.Ile503Val (NM_001258394.3); c.1642A>G, p.Ile548Val (NM_030813.6); short protein forms I503V, I489V, I518V, I548V.
Identifiers: ClinVar variation 850342 (VCV000850342.13), dbSNP rs1949516441, ClinGen allele CA381726897.